The following is an entry in ClinVar:

ClinVar aggregate classification (germline): Uncertain significance. Review status: criteria provided, multiple submitters, no conflicts (2 of 4 stars). 3 submissions from 3 submitters: Uncertain significance (3). Last evaluated 2025-06-22.

Conditions:
Cardiovascular phenotype. Identifiers: MedGen CN230736.
Dilated cardiomyopathy 1DD (CMD1DD). Identifiers: Orphanet 154, MedGen C2750995, MONDO:0013168, OMIM 613172.

Allele frequency attached by ClinVar (database versions not stated): gnomAD 0.00001; TOPMed 0.00001.
gnomAD v4.1: 51 of 1,551,670 alleles (0.0033%); highest among the groups gnomAD compares: Non-Finnish European, 0.0044%; no homozygotes.

Submissions (3):

Ambry Genetics
Classification: Uncertain significance for Cardiovascular phenotype. Last evaluated: 2025-06-22. Review status: criteria provided, single submitter. Criteria: Ambry Variant Classification Scheme 2023. Collection method: clinical testing. Allele origin: germline.
Comment: The p.A1052T variant (also known as c.3154G>A), located in coding exon 11 of the RBM20 gene, results from a G to A substitution at nucleotide position 3154. The alanine at codon 1052 is replaced by threonine, an amino acid with similar properties. This amino acid position is conserved. In addition, this alteration is predicted to be tolerated by in silico analysis. Since supporting evidence is limited at this time, the clinical significance of this alteration remains unclear.

Labcorp Genetics (formerly Invitae), Labcorp
Classification: Uncertain significance for Dilated cardiomyopathy 1DD. Last evaluated: 2025-01-20. Review status: criteria provided, single submitter. Criteria: Invitae Variant Classification Sherloc (09022015). Collection method: clinical testing. Allele origin: germline.
Comment: This sequence change replaces alanine, which is neutral and non-polar, with threonine, which is neutral and polar, at codon 1052 of the RBM20 protein (p.Ala1052Thr). This variant is not present in population databases (gnomAD no frequency). This variant has not been reported in the literature in individuals affected with RBM20-related conditions. ClinVar contains an entry for this variant (Variation ID: 1461499). Invitae Evidence Modeling of protein sequence and biophysical properties (such as structural, functional, and spatial information, amino acid conservation, physicochemical variation, residue mobility, and thermodynamic stability) indicates that this missense variant is not expected to disrupt RBM20 protein function with a negative predictive value of 95%. In summary, the available evidence is currently insufficient to determine the role of this variant in disease. Therefore, it has been classified as a Variant of Uncertain Significance.

Fulgent Genetics
Classification: Uncertain significance for Dilated cardiomyopathy 1DD. Last evaluated: 2021-07-27. Review status: criteria provided, single submitter. Criteria: ACMG Guidelines, 2015. Collection method: clinical testing. Allele origin: unknown.

NM_001134363.3(RBM20):c.3154G>A (p.Ala1052Thr)

Gene: RBM20 (RNA binding motif protein 20; plus strand). Cytogenetic location: 10q25.2.
Variant type: single nucleotide variant.
Coding change: c.3154G>A on transcript NM_001134363.3 (MANE Select); coding-DNA position 3154, G replaced by A.
Protein change: p.Ala1052Thr; replaces alanine 1052 with threonine.
Molecular consequence: missense variant.
Genome position (GRCh38, 1-based): chr10:110,821,773, G>A. VCF-style: chr10-110821773-G-A. GRCh37 (hg19) VCF-style: chr10-112581531-G-A.
Other names: c.3154G>A (NM_001134363.1); short protein forms A1052T.
Identifiers: ClinVar variation 1461499 (VCV001461499.9), dbSNP rs890053031, ClinGen allele CA213229768.
Genomic context (GRCh38, chr10:110,821,773, plus strand): 5'-GTGGAGAGCTCAGATGTTCATCCAGCCCCTACAGTCCAGCAAATGTCTTCCCCTAAGCCA[G>A]CAGAGGAGAGGGCCCGGCAGCCAAGCCCATTTGTGGATGATTGCAAGACCAGGGGGACCC-3'
Protein context (NP_001127835.2, residues 1042-1062): TVQQMSSPKP[Ala1052Thr]EERARQPSPF